The following is an entry in ClinVar:

ClinVar aggregate classification (germline): Pathogenic/Likely pathogenic. Review status: criteria provided, multiple submitters, no conflicts (2 of 4 stars). 8 submissions from 8 submitters: Pathogenic (6); Likely pathogenic (1). 1 of the submissions does not count toward it. Last evaluated 2026-08-17.

Conditions:
Retinitis pigmentosa 25 (RP25). Identifiers: Orphanet 791, MedGen C1864446, MONDO:0011272, OMIM 602772.
EYS-related disorder. Also called: EYS-related condition.
Retinitis pigmentosa (RP). Identifiers: Orphanet 791, MedGen C0035334, MeSH D012174, MONDO:0019200, OMIM 268000. Inheritance: Autosomal dominant, autosomal recessive and X linked inheritance.

gnomAD v4.1: 48 of 1,550,402 alleles (0.0031%); highest among the groups gnomAD compares: Non-Finnish European, 0.0041%; no homozygotes.

Submissions (8):

GeneDx
Classification: Pathogenic. Last evaluated: 2026-08-17. Review status: criteria provided, single submitter. Criteria: GeneDx Variant Classification Process June 2021. Collection method: clinical testing. Allele origin: germline.
Comment: Nonsense variant predicted to result in protein truncation or nonsense mediated decay in a gene for which loss of function is a known mechanism of disease; Not observed at significant frequency in large population cohorts (gnomAD); This variant is associated with the following publications: (PMID: 32581362, 36819107, 38219857, 28041643)

Myriad Genetics, Inc.
Classification: Pathogenic for Retinitis pigmentosa 25. Last evaluated: 2024-05-14. Review status: criteria provided, single submitter. Criteria: Myriad Autosomal Dominant, Autosomal Recessive and X-Linked Classification Criteria (2023). Collection method: clinical testing. Allele origin: unknown.
Comment: NM_001142800.1(EYS):c.3775C>T(Q1259*) is expected to be pathogenic in the context of retinitis pigmentosa, EYS-related. This variant is predicted to lead to an abnormal or absent protein product due to the creation of a premature termination codon in EYS, a gene where loss-of-function variants are known to be pathogenic. Please note: this variant was assessed in the context of healthy population screening.

Natera, Inc.
Classification: Pathogenic for Retinitis pigmentosa type 25. Last evaluated: 2024-03-19. Review status: criteria provided, single submitter. Criteria: Natera Variant Classification Schema (03/2026). Collection method: clinical testing. Allele origin: germline.
Comment: The c.3775C>T variant in EYS is a nonsense variant predicted to introduce a stop codon at amino acid 1259. This variant is expected to result in nonsense mediated decay, truncation, or a dysfunctional protein product. This variant is rare in the general population with a frequency below the threshold expected for the associated phenotype(s). This variant has been observed in one or more individuals affected with the associated recessive disease, as either homozygous or compound heterozygous with a second variant (PMID: 28041643, 36819107). Given the available evidence, this variant is classified as Pathogenic.

Labcorp Genetics (formerly Invitae), Labcorp
Classification: Pathogenic. Last evaluated: 2024-02-14. Review status: criteria provided, single submitter. Criteria: Invitae Variant Classification Sherloc (09022015). Collection method: clinical testing. Allele origin: germline.
Comment: This sequence change creates a premature translational stop signal (p.Gln1259*) in the EYS gene. It is expected to result in an absent or disrupted protein product. Loss-of-function variants in EYS are known to be pathogenic (PMID: 18836446, 20333770). This variant is not present in population databases (gnomAD no frequency). This premature translational stop signal has been observed in individual(s) with a EYS-related condition (PMID: 28041643). ClinVar contains an entry for this variant (Variation ID: 438196). For these reasons, this variant has been classified as Pathogenic.

Baylor Genetics
Classification: Pathogenic for Retinitis pigmentosa 25. Last evaluated: 2023-07-09. Review status: criteria provided, single submitter. Criteria: ACMG Guidelines, 2015. Collection method: clinical testing. Allele origin: unknown.

Revvity Omics, Revvity
Classification: Pathogenic for Retinitis pigmentosa 25. Last evaluated: 2021-08-30. Review status: criteria provided, single submitter. Criteria: ACMG Guidelines, 2015. Collection method: clinical testing. Allele origin: germline.

Blueprint Genetics
Classification: Likely pathogenic for EYS-related disorders. Last evaluated: 2019-03-07. Review status: criteria provided, single submitter. Criteria: ACMG Guidelines, 2015. Collection method: clinical testing. Allele origin: germline. Affected: yes. Observed: 1 variant allele.

NIHR Bioresource Rare Diseases, University of Cambridge
Classification: Likely pathogenic for Retinitis pigmentosa. Last evaluated: 2015-01-01. Review status: no assertion criteria provided. Collection method: research. Allele origin: unknown. Affected: yes. Observed: 1 variant allele. Not counted in ClinVar's aggregate classification.

Literature cited by the submitters: PubMed 28041643 (cited by 3 submitters); PubMed 36819107 (cited by Natera, Inc.); PubMed 18836446 (cited by Labcorp Genetics (formerly Invitae), Labcorp); PubMed 20333770 (cited by Labcorp Genetics (formerly Invitae), Labcorp).

NM_001142800.2(EYS):c.3775C>T (p.Gln1259Ter)

Gene: EYS (EGF-like photoreceptor maintenance factor; minus strand). Cytogenetic location: 6q12.
Variant type: single nucleotide variant.
Coding change: c.3775C>T on transcript NM_001142800.2 (MANE Select); coding-DNA position 3775, C replaced by T.
Protein change: p.Gln1259Ter; replaces glutamine 1259 with a stop codon.
Molecular consequence: nonsense.
Genome position (GRCh38, 1-based): chr6:64,593,219, G>A on the plus strand (C>T on the coding strand, the complement: EYS is on the minus strand). VCF-style: chr6-64593219-G-A. GRCh37 (hg19) VCF-style: chr6-65303112-G-A.
Other names: c.3775C>T, p.Gln1259Ter (NM_001292009.2); short protein forms Q1259*.
Identifiers: ClinVar variation 438196 (VCV000438196.22), dbSNP rs1291867456, ClinGen allele CA364784754.